The following is an entry in ClinVar:

ClinVar aggregate classification (germline): Conflicting classifications of pathogenicity. Review status: criteria provided, conflicting classifications (1 of 4 stars). 10 submissions from 10 submitters: Uncertain significance (3); Likely benign (6). 1 of the submissions does not count toward it. Last evaluated 2026-09-01.

Conditions:
NOTCH1-related disorder. Also called: NOTCH1-related condition; NOTCH1-related disorders.
Connective tissue disorder. Also called: Connective tissue disease. Identifiers: MedGen C0009782, MONDO:0003900.
Familial thoracic aortic aneurysm and aortic dissection (TAAD). Also called: Thoracic aortic aneurysms and dissections. Identifiers: Orphanet 91387, MedGen C4707243, MONDO:0019625.
Adams-Oliver syndrome 5 (AOS5). Identifiers: Orphanet 974, MedGen C4014970, MONDO:0014459, OMIM 616028.

Allele frequency attached by ClinVar (database versions not stated): gnomAD exomes 0.00011 and 0.00017; TOPMed 0.00012; gnomAD 0.00016; ExAC 0.00019.
gnomAD v4.1: 182 of 1,563,320 alleles (0.012%); highest among the groups gnomAD compares: Non-Finnish European, 0.012%; no homozygotes.

Submissions (10):

CeGaT Center for Human Genetics Tuebingen
Classification: Likely benign. Last evaluated: 2026-09-01. Review status: criteria provided, single submitter. Criteria: CeGaT Center For Human Genetics Tuebingen Variant Classification Criteria Version 2. Collection method: clinical testing. Allele origin: germline. Affected: yes. Observed: 1 variant allele.
Comment: NOTCH1: BP4

Women's Health and Genetics/Laboratory Corporation of America, LabCorp
Classification: Likely benign. Last evaluated: 2026-04-02. Review status: criteria provided, single submitter. Criteria: LabCorp Variant Classification Summary - May 2015. Collection method: clinical testing. Allele origin: germline.
Comment: Variant summary: NOTCH1 c.3011C>T (p.Ser1004Leu) results in a non-conservative amino acid change located in the EGF-like repeat domain (IPR008297) of the encoded protein sequence. Algorithms developed to predict the effect of missense changes on protein structure and function are either unavailable or do not agree on the potential impact of this missense change. The variant allele was found at a frequency of 0.00017 in 173498 control chromosomes (gnomAD). The observed variant frequency exceeds the estimated maximal expected allele frequency for disease-causing variants in NOTCH1. c.3011C>T has been observed in a cohort of individuals affected with Aortic Valve Disease (Bruenger_2025), however no supportive evidence for causality was provided. These report(s) do not provide unequivocal conclusions about association of the variant with Aortic Valve Disease. To our knowledge, no experimental evidence demonstrating an impact on protein function has been reported. The following publication have been ascertained in the context of this evaluation (PMID: 40646242). ClinVar contains an entry for this variant (Variation ID: 561320). Based on the evidence outlined above, the variant was classified as likely benign.

Labcorp Genetics (formerly Invitae), Labcorp
Classification: Likely benign for Adams-Oliver syndrome 5. Last evaluated: 2026-01-21. Review status: criteria provided, single submitter. Criteria: Invitae Variant Classification Sherloc (09022015). Collection method: clinical testing. Allele origin: germline.

GeneDx
Classification: Uncertain significance. Last evaluated: 2025-02-04. Review status: criteria provided, single submitter. Criteria: GeneDx Variant Classification Process June 2021. Collection method: clinical testing. Allele origin: germline. Affected: yes.
Comment: In silico analysis supports that this missense variant has a deleterious effect on protein structure/function; Has not been published in association with cardiovascular disease to our knowledge; This variant is associated with the following publications: (PMID: 27870570)

Blueprint Genetics
Classification: Likely benign. Last evaluated: 2024-11-25. Review status: criteria provided, single submitter. Criteria: ACMG Guidelines, 2015. Collection method: clinical testing. Allele origin: germline.

Ambry Genetics
Classification: Uncertain significance for Familial thoracic aortic aneurysm and aortic dissection. Last evaluated: 2024-08-30. Review status: criteria provided, single submitter. Criteria: Ambry Variant Classification Scheme 2023. Collection method: clinical testing. Allele origin: germline.
Comment: The p.S1004L variant (also known as c.3011C>T), located in coding exon 19 of the NOTCH1 gene, results from a C to T substitution at nucleotide position 3011. The serine at codon 1004 is replaced by leucine, an amino acid with dissimilar properties. This amino acid position is not well conserved in available vertebrate species. In addition, this alteration is predicted to be tolerated by in silico analysis. Since supporting evidence is limited at this time, the clinical significance of this alteration remains unclear.

Mayo Clinic Laboratories, Mayo Clinic
Classification: Uncertain significance. Last evaluated: 2022-11-23. Review status: criteria provided, single submitter. Criteria: ACMG Guidelines, 2015. Collection method: clinical testing. Allele origin: germline. Observed: 6 variant alleles.
Comment: PP2

Center for Human Genetics, Inc
Classification: Likely benign for Connective tissue disorder. Last evaluated: 2018-06-01. Review status: criteria provided, single submitter. Criteria: ACMG Guidelines, 2015. Collection method: clinical testing. Allele origin: germline. Affected: yes.

CHEO Genetics Diagnostic Laboratory, Children's Hospital of Eastern Ontario
Classification: Likely benign for Familial thoracic aortic aneurysm and aortic dissection. Last evaluated: 2018-04-25. Review status: criteria provided, single submitter. Criteria: ACMG Guidelines, 2015. Collection method: clinical testing. Allele origin: germline.

PreventionGenetics, part of Exact Sciences
Classification: Likely benign for NOTCH1-related condition. Last evaluated: 2022-07-28. Review status: no assertion criteria provided. Collection method: clinical testing. Allele origin: germline. Not counted in ClinVar's aggregate classification.
Comment: This variant is classified as likely benign based on ACMG/AMP sequence variant interpretation guidelines (Richards et al. 2015 PMID: 25741868, with internal and published modifications).

Literature cited by the submitters: PubMed 40646242 (cited by Women's Health and Genetics/Laboratory Corporation of America, LabCorp).

NM_017617.5(NOTCH1):c.3011C>T (p.Ser1004Leu)

Gene: NOTCH1 (notch receptor 1; minus strand). Cytogenetic location: 9q34.3.
Variant type: single nucleotide variant.
Coding change: c.3011C>T on transcript NM_017617.5 (MANE Select); coding-DNA position 3011, C replaced by T.
Protein change: p.Ser1004Leu; replaces serine 1004 with leucine.
Molecular consequence: missense variant.
Genome position (GRCh38, 1-based): chr9:136,509,030, G>A on the plus strand (C>T on the coding strand, the complement: NOTCH1 is on the minus strand). VCF-style: chr9-136509030-G-A. GRCh37 (hg19) VCF-style: chr9-139403482-G-A.
Other names: p.Ser1004Leu; c.3011C>T, p.Ser1004Leu (LRG_1122t1); short protein forms S1004L.
Identifiers: ClinVar variation 561320 (VCV000561320.32), dbSNP rs201163739, ClinGen allele CA5341070.